The following is an entry in ClinVar:

ClinVar aggregate classification (germline): Uncertain significance. Review status: criteria provided, multiple submitters, no conflicts (2 of 4 stars). 4 submissions from 4 submitters: Uncertain significance (4). Last evaluated 2025-07-16.

Conditions:
Heterotopia, periventricular, X-linked dominant (PVNH1). Also called: PERIVENTRICULAR NODULAR HETEROTOPIA 4; HETEROTOPIA, PERIVENTRICULAR, 1; PERIVENTRICULAR NODULAR HETEROTOPIA 1; X-linked periventricular heterotopia. Identifiers: Orphanet 2149, Orphanet 82004, MedGen C1848213, MONDO:0010233, OMIM 300049.
Melnick-Needles syndrome (MNS). Also called: Melnick-Needles Syndrome (FLNA-MNS); MELNICK-NEEDLES OSTEODYSPLASTY; OSTEODYSPLASTY OF MELNICK AND NEEDLES. Identifiers: Orphanet 2484, MedGen C0025237, MONDO:0010650, OMIM 309350.
Frontometaphyseal dysplasia (FMD1). Identifiers: Orphanet 1826, MedGen C0265293, MONDO:0015942.
Oto-palato-digital syndrome, type II (OPD2). Also called: Otopalatodigital Syndrome Type 2 (FLNA-OPD2); Otopalatodigital Syndrome, Type II; FACIOPALATOOSSEOUS SYNDROME; OPD II SYNDROME. Identifiers: Orphanet 669, Orphanet 90652, MedGen C1844696, MONDO:0010571, OMIM 304120.
Familial thoracic aortic aneurysm and aortic dissection (TAAD). Also called: Thoracic aortic aneurysms and dissections. Identifiers: Orphanet 91387, MedGen C4707243, MONDO:0019625.

Submissions (4):

Labcorp Genetics (formerly Invitae), Labcorp
Classification: Uncertain significance for Oto-palato-digital syndrome, type II; Heterotopia, periventricular, X-linked dominant; Frontometaphyseal dysplasia; Melnick-Needles syndrome. Last evaluated: 2025-07-16. Review status: criteria provided, single submitter. Criteria: Invitae Variant Classification Sherloc (09022015). Collection method: clinical testing. Allele origin: germline.
Comment: This variant, c.5051_5068dup, results in the insertion of 6 amino acid(s) of the FLNA protein (p.Asp1684_Asp1689dup), but otherwise preserves the integrity of the reading frame. This variant is present in population databases (rs781960834, gnomAD 0.004%). This variant has not been reported in the literature in individuals affected with FLNA-related conditions. ClinVar contains an entry for this variant (Variation ID: 572282). Experimental studies and prediction algorithms are not available or were not evaluated, and the functional significance of this variant is currently unknown. In summary, the available evidence is currently insufficient to determine the role of this variant in disease. Therefore, it has been classified as a Variant of Uncertain Significance.

Ambry Genetics
Classification: Uncertain significance for Familial thoracic aortic aneurysm and aortic dissection. Last evaluated: 2025-07-10. Review status: criteria provided, single submitter. Criteria: Ambry Variant Classification Scheme 2023. Collection method: clinical testing. Allele origin: germline.
Comment: The c.5051_5068dup18 variant (also known as p.D1684_D1689dup), located in coding exon 29 of the FLNA gene, results from an in-frame duplication of 18 nucleotides at nucleotide positions 5051 to 5068. This results in the duplication of 6 extra residues (DGSEVD) between codons 1684 and 1689. Based on data from gnomAD, the variant has an overall frequency of 0.0006% (1/181607) total alleles studied, with 0 hemizygote(s) observed. The highest observed frequency was 0.0037% (1/27367) of Latino alleles. These amino acid positions are not well conserved in available vertebrate species. In addition, this variant is predicted to be deleterious by in silico analysis (Choi Y et al. PLoS ONE. 2012; 7(10):e46688). Based on the available evidence, the clinical significance of this variant remains unclear.

GeneDx
Classification: Uncertain significance. Last evaluated: 2023-07-11. Review status: criteria provided, single submitter. Criteria: GeneDx Variant Classification Process June 2021. Collection method: clinical testing. Allele origin: germline. Affected: yes.
Comment: Has not been previously published as pathogenic or benign to our knowledge; Not observed at significant frequency in large population cohorts (gnomAD); In-frame insertion of 6 amino acids in a non-repeat region; In silico analysis supports that this variant does not alter protein structure/function

ARUP Laboratories, Molecular Genetics and Genomics, ARUP Laboratories
Classification: Uncertain significance. Last evaluated: 2020-11-10. Review status: criteria provided, single submitter. Criteria: ARUP Molecular Germline Variant Investigation Process 2021. Collection method: clinical testing. Allele origin: germline.
Comment: The FLNA c.5051_5068dup; p.Asp1684_Asp1689dup variant (rs781960834), to our knowledge, has not been reported in the medical literature; however, this variant is listed in the ClinVar database (Variation ID: 572282). This variant is found in the general population with an overall allele frequency of 0.0006% (1/181,607 alleles) in the Genome Aggregation Database. This variant is a duplication of 18 nucleotides (6 amino acids) that leaves the rest of the FLNA protein in frame. Based on the available information, the clinical significance of this variant is uncertain.

NM_001110556.2(FLNA):c.5075_5092dup (p.Asp1692_Asp1697dup)

Gene: FLNA (filamin A; minus strand). Cytogenetic location: Xq28.
Variant type: Duplication.
Coding change: c.5075_5092dup on transcript NM_001110556.2 (MANE Select); coding-DNA positions 5075 to 5092, 18 bases duplicated (ATGGCTCAGAGGTGGATG).
Protein change: p.Asp1692_Asp1697dup.
Molecular consequence: inframe insertion.
Genome position (GRCh38, 1-based): chrX:154,354,950-154,354,967, CATCCACCTCTGAGCCAT duplicated on the plus strand (ATGGCTCAGAGGTGGATG on the coding strand, the reverse complement: FLNA is on the minus strand); duplicating any 18 consecutive bases within chrX:154,354,950-154,354,969 gives the same sequence; the c. name uses the placement nearest the transcript's 3' end. VCF-style (leftmost placement, unchanged base first): chrX-154354949-A-ACATCCACCTCTGAGCCAT. GRCh37 (hg19) VCF-style: chrX-153583317-A-ACATCCACCTCTGAGCCAT.
Other names: c.5051_5068dup, p.Asp1684_Asp1689dup (NM_001456.4); c.5051_5068dupATGGCTCAGAGGTGGATG (NM_001456.3).
Identifiers: ClinVar variation 572282 (VCV000572282.22), dbSNP rs781960834, ClinGen allele CA10560392.
Genomic context (GRCh38, chrX:154,354,949, plus strand): 5'-CCCGGCTGGGGGGCCGTGTAGAAGATGTCGAAAGTGCCGTCCTCATTCTCCACCACGTCC[A>ACATCCACCTCTGAGCCAT]CATCCACCTCTGAGCCATCAGGCGTGCACACGGTGCACGTCACTTTGCCTTTGCCTGCCG-3'